The following is an entry in ClinVar:

ClinVar aggregate classification (germline): Uncertain significance. Review status: criteria provided, multiple submitters, no conflicts (2 of 4 stars). 2 submissions from 2 submitters: Uncertain significance (2). Last evaluated 2025-05-05.

Conditions:
Nephronophthisis 15 (NPHP15). Identifiers: Orphanet 3156, MedGen C3541853, MONDO:0013917, OMIM 614845.

Allele frequency attached by ClinVar (database versions not stated): gnomAD exomes below 0.00001; gnomAD 0.00001; TOPMed 0.00003; ESP Exome Variant Server 0.00008.
gnomAD v4.1: 5 of 1,609,136 alleles (0.00031%); highest among the groups gnomAD compares: African/African-American, 0.0053%; no homozygotes.

Submissions (2):

Labcorp Genetics (formerly Invitae), Labcorp
Classification: Uncertain significance for Nephronophthisis 15. Last evaluated: 2025-05-05. Review status: criteria provided, single submitter. Criteria: Invitae Variant Classification Sherloc (09022015). Collection method: clinical testing. Allele origin: germline.
Comment: This sequence change replaces histidine, which is basic and polar, with proline, which is neutral and non-polar, at codon 883 of the CEP164 protein (p.His883Pro). This variant is present in population databases (rs149928777, gnomAD 0.007%). This variant has not been reported in the literature in individuals affected with CEP164-related conditions. ClinVar contains an entry for this variant (Variation ID: 2194346). Invitae Evidence Modeling of protein sequence and biophysical properties (such as structural, functional, and spatial information, amino acid conservation, physicochemical variation, residue mobility, and thermodynamic stability) indicates that this missense variant is not expected to disrupt CEP164 protein function with a negative predictive value of 80%. In summary, the available evidence is currently insufficient to determine the role of this variant in disease. Therefore, it has been classified as a Variant of Uncertain Significance.

Fulgent Genetics
Classification: Uncertain significance for Nephronophthisis 15. Last evaluated: 2024-03-11. Review status: criteria provided, single submitter. Criteria: ACMG Guidelines, 2015. Collection method: clinical testing. Allele origin: germline.

NM_014956.5(CEP164):c.2648A>C (p.His883Pro)

Gene: CEP164 (centrosomal protein 164; plus strand). Cytogenetic location: 11q23.3.
Variant type: single nucleotide variant.
Coding change: c.2648A>C on transcript NM_014956.5 (MANE Select); coding-DNA position 2648, A replaced by C.
Protein change: p.His883Pro; replaces histidine 883 with proline.
Molecular consequence: missense variant.
Genome position (GRCh38, 1-based): chr11:117,394,381, A>C. VCF-style: chr11-117394381-A-C. GRCh37 (hg19) VCF-style: chr11-117265097-A-C.
Other names: c.2657A>C, p.His886Pro (NM_001271933.2); short protein forms H883P, H886P.
Identifiers: ClinVar variation 2194346 (VCV002194346.3), dbSNP rs149928777, ClinGen allele CA229359954.